The following is an entry in ClinVar:

NM_000460.4(THPO):c.91C>T (p.Arg31Ter)

Gene: THPO (thrombopoietin; minus strand). Cytogenetic location: 3q27.1.
Variant type: single nucleotide variant.
Coding change: c.91C>T on transcript NM_000460.4 (MANE Select); coding-DNA position 91, C replaced by T.
Protein change: p.Arg31Ter; replaces arginine 31 with a stop codon.
Molecular consequence: nonsense.
Genome position (GRCh38, 1-based): chr3:184,375,938, G>A on the plus strand (C>T on the coding strand, the complement: THPO is on the minus strand). VCF-style: chr3-184375938-G-A. GRCh37 (hg19) VCF-style: chr3-184093726-G-A.
Other names: c.91C>T, p.Arg31Ter (NM_001177597.2, NM_001177598.2, NM_001289997.1 and 5 more transcripts); c.511C>T, p.Arg171Ter (NM_001290003.1); short protein forms R171*, R31*.
Identifiers: ClinVar variation 1703805 (VCV001703805.2), dbSNP rs762155929, ClinGen allele CA2735063.

ClinVar aggregate classification (germline): Likely pathogenic. Review status: criteria provided, single submitter (1 of 4 stars). 2 submissions from 2 submitters: Likely pathogenic (1). 1 of the submissions does not count toward it.

Conditions:
Thrombocytopenia 9 (THC9). Also called: THROMBOCYTOPENIA, AUTOSOMAL DOMINANT, 9. Identifiers: MedGen C5882678, MONDO:0957572, OMIM 620478.
Thrombocytopenia. Identifiers: MedGen C0040034, MeSH D013921, MONDO:0002049, HP:0001873.

Allele frequency attached by ClinVar (database versions not stated): gnomAD exomes below 0.00001; ExAC 0.00001.
gnomAD v4.1: 4 of 1,613,818 alleles (0.00025%); highest among the groups gnomAD compares: Non-Finnish European, 0.00034%; no homozygotes.

Submissions (2):

ISTH-SSC Genomics in Thrombosis and Hemostasis, KU Leuven, Center for Molecular and Vascular Biology
Classification: Likely pathogenic for Thrombocytopenia. Review status: criteria provided, single submitter. Criteria: ACMG Guidelines, 2015. Collection method: clinical testing. Allele origin: germline. Affected: yes. Observed: 1 heterozygote.
Comment: Submitted to GoldVariant by Kathleen Freson, Center for Molecular and Vascular Biology, Leuven, Belgium

OMIM
Classification: Pathogenic for THROMBOCYTOPENIA 9. Last evaluated: 2023-08-24. Review status: no assertion criteria provided. Collection method: literature only. Allele origin: germline. Not counted in ClinVar's aggregate classification.

Literature cited by the submitters: PubMed 28466964 (cited by OMIM).